The following is an entry in ClinVar:

NM_213599.3(ANO5):c.2443G>A (p.Asp815Asn)

Gene: ANO5 (anoctamin 5; plus strand). Cytogenetic location: 11p14.3.
Variant type: single nucleotide variant.
Coding change: c.2443G>A on transcript NM_213599.3 (MANE Select); coding-DNA position 2443, G replaced by A.
Protein change: p.Asp815Asn; replaces aspartic acid 815 with asparagine.
Molecular consequence: missense variant.
Genome position (GRCh38, 1-based): chr11:22,276,122, G>A. VCF-style: chr11-22276122-G-A. GRCh37 (hg19) VCF-style: chr11-22297668-G-A.
Other names: c.2008G>A, p.Asp670Asn (NM_001441300.1); c.2005G>A, p.Asp669Asn (NM_001441301.1); c.1957G>A, p.Asp653Asn (NM_001441302.1); c.2440G>A, p.Asp814Asn (NM_001142649.2); c.2401G>A, p.Asp801Asn (NM_001410963.1); c.2398G>A, p.Asp800Asn (NM_001410964.1); c.2365G>A, p.Asp789Asn (NM_001441294.1); c.2362G>A, p.Asp788Asn (NM_001441295.1); and 4 more; short protein forms D788N, D670N, D784N, D800N, D801N, D815N, D669N, D775N.
Identifiers: ClinVar variation 4838860 (VCV004838860.1).
Genomic context (GRCh38, chr11:22,276,122, plus strand): 5'-TTTTTTTTTTTGCATTTACTTCCACTTTTCAGGTACAGAGATTACAGATATCCTCCTGAT[G>A]ACGAGAATAAATATTTTCATAATATGCAATTCTGGCATGTCCTTGCTGCCAAGATGACCT-3'
Protein context (NP_998764.1, residues 805-825): RYRDYRYPPD[Asp815Asn]ENKYFHNMQF

ClinVar aggregate classification (germline): Uncertain significance (1 of 4 stars; one submission).

Conditions:
Inborn genetic diseases. Identifiers: MedGen C0950123, MeSH D030342.

gnomAD v4.1: 2 of 1,609,742 alleles (0.00012%); highest among the groups gnomAD compares: Non-Finnish European, 0.000085%; no homozygotes.

Submission:

Ambry Genetics
Classification: Uncertain significance for Inborn genetic diseases. Last evaluated: 2025-12-31. Review status: criteria provided, single submitter. Criteria: Ambry Variant Classification Scheme 2023. Collection method: clinical testing. Allele origin: germline.
Comment: The c.2443G>A (p.D815N) alteration is located in exon 21 (coding exon 21) of the ANO5 gene. This alteration results from a G to A substitution at nucleotide position 2443, causing the aspartic acid (D) at amino acid position 815 to be replaced by an asparagine (N). Based on data from gnomAD, the A allele has an overall frequency of <0.001% (1/250768) total alleles studied. The highest observed frequency was <0.001% (/) of alleles. Based on insufficient or conflicting evidence, the clinical significance of this alteration remains unclear.